The following is an entry in ClinVar:

ClinVar aggregate classification (germline): Uncertain significance. Review status: criteria provided, multiple submitters, no conflicts (2 of 4 stars). 3 submissions from 3 submitters: Uncertain significance (3). Last evaluated 2024-12-02.

Conditions:
Inborn genetic diseases. Identifiers: MedGen C0950123, MeSH D030342.

Allele frequency attached by ClinVar (database versions not stated): gnomAD 0.00003 and 0.00004; gnomAD exomes 0.00004 and 0.00025; TOPMed 0.00006; ExAC 0.00020.
gnomAD v4.1: 65 of 1,554,160 alleles (0.0042%); highest among the groups gnomAD compares: Admixed American, 0.072%; no homozygotes.

Submissions (3):

Labcorp Genetics (formerly Invitae), Labcorp
Classification: Uncertain significance. Last evaluated: 2024-12-02. Review status: criteria provided, single submitter. Criteria: Invitae Variant Classification Sherloc (09022015). Collection method: clinical testing. Allele origin: germline.
Comment: This sequence change replaces arginine, which is basic and polar, with histidine, which is basic and polar, at codon 698 of the DOCK6 protein (p.Arg698His). This variant is present in population databases (rs758660476, gnomAD 0.1%). This variant has not been reported in the literature in individuals affected with DOCK6-related conditions. ClinVar contains an entry for this variant (Variation ID: 1253833). Invitae Evidence Modeling of protein sequence and biophysical properties (such as structural, functional, and spatial information, amino acid conservation, physicochemical variation, residue mobility, and thermodynamic stability) indicates that this missense variant is expected to disrupt DOCK6 protein function with a positive predictive value of 80%. In summary, the available evidence is currently insufficient to determine the role of this variant in disease. Therefore, it has been classified as a Variant of Uncertain Significance.

GeneDx
Classification: Uncertain significance. Last evaluated: 2021-08-16. Review status: criteria provided, single submitter. Criteria: GeneDx Variant Classification Process June 2021. Collection method: clinical testing. Allele origin: germline. Affected: yes.
Comment: In silico analysis supports that this missense variant has a deleterious effect on protein structure/function; Has not been previously published as pathogenic or benign to our knowledge

Ambry Genetics
Classification: Uncertain significance for Inborn genetic diseases. Last evaluated: 2021-04-22. Review status: criteria provided, single submitter. Criteria: Ambry Variant Classification Scheme 2023. Collection method: clinical testing. Allele origin: germline.

NM_020812.4(DOCK6):c.2093G>A (p.Arg698His)

Gene: DOCK6 (dedicator of cytokinesis 6; minus strand). Cytogenetic location: 19p13.2.
Variant type: single nucleotide variant.
Coding change: c.2093G>A on transcript NM_020812.4 (MANE Select); coding-DNA position 2093, G replaced by A.
Protein change: p.Arg698His; replaces arginine 698 with histidine.
Molecular consequence: missense variant.
Genome position (GRCh38, 1-based): chr19:11,236,860, C>T on the plus strand (G>A on the coding strand, the complement: DOCK6 is on the minus strand). VCF-style: chr19-11236860-C-T. GRCh37 (hg19) VCF-style: chr19-11347536-C-T.
Other names: c.2093G>A, p.Arg698His (NM_001367830.1); c.2093G>A (NM_020812.2); short protein forms R698H.
Identifiers: ClinVar variation 1253833 (VCV001253833.9), dbSNP rs758660476, ClinGen allele CA9207734.